The following is an entry in ClinVar:

NM_181703.4(GJA5):c.787C>T (p.Pro263Ser)

Genes: GJA5 (gap junction protein alpha 5; minus strand), LOC122128420 (Sharpr-MPRA regulatory region 3144; plus strand). Cytogenetic location: 1q21.2.
Variant type: single nucleotide variant.
Coding change: c.787C>T on transcript NM_181703.4 (MANE Select); coding-DNA position 787, C replaced by T.
Protein change: p.Pro263Ser; replaces proline 263 with serine.
Molecular consequence: missense variant.
Genome position (GRCh38, 1-based): chr1:147,758,452, G>A on the plus strand (C>T on the coding strand, the complement: GJA5 is on the minus strand). VCF-style: chr1-147758452-G-A. GRCh37 (hg19) VCF-style: chr1-147230560-G-A.
Other names: c.787C>T, p.Pro263Ser (NM_005266.7); short protein forms P263S.
Identifiers: ClinVar variation 1021422 (VCV001021422.8), dbSNP rs781852108, ClinGen allele CA1065708.

ClinVar aggregate classification (germline): Uncertain significance (1 of 4 stars; one submission).

Conditions:
Atrial fibrillation, familial, 11 (ATFB11). Identifiers: MedGen C3279693, MONDO:0013544, OMIM 614049.
Atrial standstill 1 (ATRST1). Also called: Atrial standstill, digenic (GJA5/SCN5A); ATRIAL CARDIOMYOPATHY WITH HEART BLOCK; CARDIOMYOPATHY, FAMILIAL, WITH CONDUCTION DISTURBANCE. Identifiers: Orphanet 1344, MedGen C4551959, MONDO:0007171, OMIM 108770.

Allele frequency attached by ClinVar (database versions not stated): ExAC 0.00001; gnomAD exomes 0.00001 and 0.00002; TOPMed 0.00001; gnomAD 0.00002.

Submission:

Labcorp Genetics (formerly Invitae), Labcorp
Classification: Uncertain significance for Atrial fibrillation, familial, 11; Atrial standstill 1. Last evaluated: 2024-04-09. Review status: criteria provided, single submitter. Criteria: Invitae Variant Classification Sherloc (09022015). Collection method: clinical testing. Allele origin: germline.
Comment: This sequence change replaces proline, which is neutral and non-polar, with serine, which is neutral and polar, at codon 263 of the GJA5 protein (p.Pro263Ser). This variant is present in population databases (rs781852108, gnomAD 0.004%). This variant has not been reported in the literature in individuals affected with GJA5-related conditions. ClinVar contains an entry for this variant (Variation ID: 1021422). Advanced modeling of protein sequence and biophysical properties (such as structural, functional, and spatial information, amino acid conservation, physicochemical variation, residue mobility, and thermodynamic stability) performed at Invitae indicates that this missense variant is not expected to disrupt GJA5 protein function with a negative predictive value of 80%. In summary, the available evidence is currently insufficient to determine the role of this variant in disease. Therefore, it has been classified as a Variant of Uncertain Significance.